The following is an entry in ClinVar:

NC_000009.11:g.(?_131386587)_(131399326_?)dup

Genes: SPTAN1 (spectrin alpha, non-erythrocytic 1; plus strand), DYNC2I2 (dynein 2 intermediate chain 2; minus strand), LOC126860772 (CDK7 strongly-dependent group 2 enhancer GRCh37_chr9:131396972-131398171; plus strand). Cytogenetic location: 9q34.11.
Variant type: Duplication.
Identifiers: ClinVar variation 583833 (VCV000583833.8).

ClinVar aggregate classification (germline): Conflicting classifications of pathogenicity. Review status: criteria provided, conflicting classifications (1 of 4 stars). 2 submissions from 1 submitter: Uncertain significance (1); Likely benign (1). Last evaluated 2022-09-27.

Conditions:
Developmental and epileptic encephalopathy. Identifiers: MedGen C5779964, MONDO:0100620.
Short-rib thoracic dysplasia 11 with or without polydactyly (SRTD11). Also called: SHORT-RIB THORACIC DYSPLASIA 11 WITHOUT POLYDACTYLY. Identifiers: Orphanet 474, Orphanet 93271, MedGen C3810200, MONDO:0014287, OMIM 615633.

Submissions (2):

Labcorp Genetics (formerly Invitae), Labcorp
Classification: Likely benign for Early-infantile DEE. Last evaluated: 2022-09-27. Review status: criteria provided, single submitter. Criteria: Invitae Variant Classification Sherloc (09022015). Collection method: clinical testing. Allele origin: germline.

Labcorp Genetics (formerly Invitae), Labcorp
Classification: Uncertain significance for Short-rib thoracic dysplasia 11 with or without polydactyly. Last evaluated: 2022-09-01. Review status: criteria provided, single submitter. Criteria: Invitae Variant Classification Sherloc (09022015). Collection method: clinical testing. Allele origin: germline.
Comment: This variant results in a copy number gain of the genomic region encompassing exon(s) 3-9 of the WDR34 gene. This region includes the termination codon of the gene. This copy number gain extends beyond the assayed region for this gene and therefore may encompass additional genes. As the precise location of this event is unknown, it may be in tandem or it may be located elsewhere in the genome. This variant has not been reported in the literature in individuals affected with WDR34-related conditions. In summary, the available evidence is currently insufficient to determine the role of this variant in disease. Therefore, it has been classified as a Variant of Uncertain Significance.